The following is an entry in ClinVar:

NM_002691.4(POLD1):c.1162A>T (p.Met388Leu)

Gene: POLD1 (DNA polymerase delta 1, catalytic subunit; plus strand). Cytogenetic location: 19q13.33.
Variant type: single nucleotide variant.
Coding change: c.1162A>T on transcript NM_002691.4 (MANE Select); coding-DNA position 1162, A replaced by T.
Protein change: p.Met388Leu; replaces methionine 388 with leucine.
Molecular consequence: missense variant. On other transcripts: non-coding transcript variant (1).
Genome position (GRCh38, 1-based): chr19:50,403,517, A>T. VCF-style: chr19-50403517-A-T. GRCh37 (hg19) VCF-style: chr19-50906774-A-T.
Other names: c.1162A>T, p.Met388Leu (NM_001256849.1, NM_001308632.1); short protein forms M388L.
Identifiers: ClinVar variation 818457 (VCV000818457.10), dbSNP rs1376051317, ClinGen allele CA406978473.

ClinVar aggregate classification (germline): Uncertain significance. Review status: criteria provided, multiple submitters, no conflicts (2 of 4 stars). 2 submissions from 2 submitters: Uncertain significance (2). Last evaluated 2021-11-26.

Conditions:
Hereditary cancer-predisposing syndrome. Also called: Hereditary Cancer Syndrome; Hereditary neoplastic syndrome; Neoplastic Syndromes, Hereditary; Tumor predisposition. Identifiers: Orphanet 140162, MedGen C0027672, MeSH D009386, MONDO:0015356.
POLD1-related polyposis and colorectal cancer syndrome (CRCS10). Also called: Colorectal cancer, susceptibility to, 10; Colorectal cancer 10; COLORECTAL CANCER, SUSCEPTIBILITY TO, ON CHROMOSOME 19q. Identifiers: Orphanet 220460, MedGen C2675481, MONDO:0012953, OMIM 612591.

Allele frequency attached by ClinVar (database versions not stated): gnomAD exomes below 0.00001; TOPMed below 0.00001.
gnomAD v4.1: 2 of 1,613,884 alleles (0.00012%); highest among the groups gnomAD compares: African/African-American, 0.0013%; no homozygotes.

Submissions (2):

Labcorp Genetics (formerly Invitae), Labcorp
Classification: Uncertain significance for POLD1-related polyposis and colorectal cancer syndrome. Last evaluated: 2021-11-26. Review status: criteria provided, single submitter. Criteria: Invitae Variant Classification Sherloc (09022015). Collection method: clinical testing. Allele origin: germline.
Comment: In summary, the available evidence is currently insufficient to determine the role of this variant in disease. Therefore, it has been classified as a Variant of Uncertain Significance. Algorithms developed to predict the effect of missense changes on protein structure and function output the following: SIFT: "Tolerated"; PolyPhen-2: "Benign"; Align-GVGD: "Class C0". The leucine amino acid residue is found in multiple mammalian species, which suggests that this missense change does not adversely affect protein function. ClinVar contains an entry for this variant (Variation ID: 818457). This variant has not been reported in the literature in individuals affected with POLD1-related conditions. This variant is not present in population databases (gnomAD no frequency). This sequence change replaces methionine, which is neutral and non-polar, with leucine, which is neutral and non-polar, at codon 388 of the POLD1 protein (p.Met388Leu).

Ambry Genetics
Classification: Uncertain significance for Hereditary cancer-predisposing syndrome. Last evaluated: 2019-10-16. Review status: criteria provided, single submitter. Criteria: Ambry Variant Classification Scheme 2023. Collection method: clinical testing. Allele origin: germline.
Comment: The p.M388L variant (also known as c.1162A>T), located in coding exon 9 of the POLD1 gene, results from an A to T substitution at nucleotide position 1162. The methionine at codon 388 is replaced by leucine, an amino acid with highly similar properties. This amino acid position is poorly conserved in available vertebrate species. In addition, this alteration is predicted to be tolerated by in silico analysis. Since supporting evidence is limited at this time, the clinical significance of this alteration remains unclear.